The following is an entry in ClinVar:

ClinVar aggregate classification (germline): Likely pathogenic (1 of 4 stars; one submission).

Submission:

GeneDx
Classification: Likely pathogenic. Last evaluated: 2024-07-05. Review status: criteria provided, single submitter. Criteria: GeneDx Variant Classification Process June 2021. Collection method: clinical testing. Allele origin: germline. Affected: yes.
Comment: Not observed at significant frequency in large population cohorts (gnomAD); In silico analysis supports that this missense variant has a deleterious effect on protein structure/function; This variant is associated with the following publications: (PMID: 33262486, 24451061)

NM_000346.4(SOX9):c.358C>T (p.Arg120Cys)

Genes: SOX9 (SRY-box transcription factor 9; plus strand), LOC108021846 (SOX9 promoter region; plus strand). Cytogenetic location: 17q24.3.
Variant type: single nucleotide variant.
Coding change: c.358C>T on transcript NM_000346.4 (MANE Select); coding-DNA position 358, C replaced by T.
Protein change: p.Arg120Cys; replaces arginine 120 with cysteine.
Molecular consequence: missense variant.
Genome position (GRCh38, 1-based): chr17:72,121,749, C>T. VCF-style: chr17-72121749-C-T. GRCh37 (hg19) VCF-style: chr17-70117890-C-T.
Other names: short protein forms R120C.
Identifiers: ClinVar variation 3393529 (VCV003393529.1).